The following is an entry in ClinVar:

ClinVar aggregate classification (germline): Likely pathogenic (1 of 4 stars; one submission).

Conditions:
Hepatoencephalopathy due to combined oxidative phosphorylation defect type 1. Also called: HEPATOENCEPHALOPATHY, EARLY FATAL PROGRESSIVE. Identifiers: Orphanet 137681, MedGen C1836797, MONDO:0012191, OMIM 609060.

Submission:

Natera, Inc.
Classification: Likely pathogenic for Combined oxidative phosphorylation deficiency 1. Last evaluated: 2025-08-12. Review status: criteria provided, single submitter. Criteria: Natera Variant Classification Schema (03/2026). Collection method: clinical testing. Allele origin: germline.
Comment: The c.840+1delG variant in GFM1 is a canonical splice donor site variant predicted to affect pre-mRNA splicing, which may result in an abnormal transcript and altered protein product. This variant is expected to result in nonsense mediated decay, truncation, or a dysfunctional protein product. This variant is rare in the general population with a frequency below the threshold expected for the associated phenotype(s). Given the available evidence, this variant is classified as Likely Pathogenic.

NM_024996.7(GFM1):c.840+1del

Gene: GFM1 (G elongation factor mitochondrial 1; plus strand). Cytogenetic location: 3q25.32.
Variant type: Deletion.
Coding change: c.840+1del on transcript NM_024996.7 (MANE Select); the canonical splice donor site of the intron after coding-DNA position 840, one base deleted (G; older notation c.840+1delG).
Molecular consequence: splice donor variant.
Genome position (GRCh38, 1-based): chr3:158,652,247, G deleted; the last of 2 consecutive G bases (chr3:158,652,246-158,652,247); deleting either gives the same sequence. VCF-style (leftmost placement, unchanged base first): chr3-158652245-AG-A. GRCh37 (hg19) VCF-style: chr3-158370034-AG-A.
Other names: c.897+1del (NM_001308164.2, NM_001374355.1); c.615+1del (NM_001374357.1); c.723+1del (NM_001374356.1); c.273+1del (NM_001374359.1, NM_001374360.1); c.156+1del (NM_001374361.1); c.381+1del (NM_001374358.1); c.840+1del (NM_001308166.2).
Identifiers: ClinVar variation 4816189 (VCV004816189.1).